The following is an entry in ClinVar:

NM_016628.5(WAC):c.1301A>G (p.Asn434Ser)

Gene: WAC (WW domain containing adaptor with coiled-coil; plus strand). Cytogenetic location: 10p12.1.
Variant type: single nucleotide variant.
Coding change: c.1301A>G on transcript NM_016628.5 (MANE Select); coding-DNA position 1301, A replaced by G.
Protein change: p.Asn434Ser; replaces asparagine 434 with serine.
Molecular consequence: missense variant.
Genome position (GRCh38, 1-based): chr10:28,611,786, A>G. VCF-style: chr10-28611786-A-G. GRCh37 (hg19) VCF-style: chr10-28900715-A-G.
Other names: c.1166A>G, p.Asn389Ser (NM_100264.3); c.992A>G, p.Asn331Ser (NM_100486.4); short protein forms N331S, N389S, N434S.
Identifiers: ClinVar variation 3815632 (VCV003815632.3).
Genomic context (GRCh38, chr10:28,611,786, plus strand): 5'-TGTTTTGTTTTGTTTTTCTTTAAAATTAATTGCTTCCCTCTTTTACAGCCCAGCCATCTA[A>G]TCAGTCTCCGATGTCTTTAACATCTGATGCGTCATCCCCAAGATCATATGTTTCTCCAAG-3'
Protein context (NP_057712.2, residues 424-444): AQLSTQAQPS[Asn434Ser]QSPMSLTSDA

ClinVar aggregate classification (germline): Conflicting classifications of pathogenicity. Review status: criteria provided, conflicting classifications (1 of 4 stars). 3 submissions from 3 submitters: Uncertain significance (2); Likely benign (1). Last evaluated 2025-10-07.

Conditions:
Inborn genetic diseases. Identifiers: MedGen C0950123, MeSH D030342.

gnomAD v4.1: 28 of 1,612,544 alleles (0.0017%); highest among the groups gnomAD compares: Admixed American, 0.015%; no homozygotes.

Submissions (3):

Women's Health and Genetics/Laboratory Corporation of America, LabCorp
Classification: Uncertain significance. Last evaluated: 2025-10-07. Review status: criteria provided, single submitter. Criteria: LabCorp Variant Classification Summary - May 2015. Collection method: clinical testing. Allele origin: germline.
Comment: Variant summary: WAC c.1301A>G (p.Asn434Ser) results in a conservative amino acid change in the encoded protein sequence. Algorithms developed to predict the effect of missense changes on protein structure and function are either unavailable or do not agree on the potential impact of this missense change. The variant allele was found at a frequency of 8e-06 in 249522 control chromosomes. The available data on variant occurrences in the general population are insufficient to allow any conclusion about variant significance. To our knowledge, no occurrence of c.1301A>G in individuals affected with WAC-related conditions and no experimental evidence demonstrating its impact on protein function have been reported. ClinVar contains an entry for this variant (Variation ID: 3815632). Based on the evidence outlined above, the variant was classified as uncertain significance.

Ambry Genetics
Classification: Uncertain significance for Inborn genetic diseases. Last evaluated: 2025-01-21. Review status: criteria provided, single submitter. Criteria: Ambry Variant Classification Scheme 2023. Collection method: clinical testing. Allele origin: germline.

Blueprint Genetics
Classification: Likely benign. Last evaluated: 2023-07-12. Review status: criteria provided, single submitter. Criteria: ACMG Guidelines, 2015. Collection method: clinical testing. Allele origin: germline.